The following is an entry in ClinVar:

ClinVar aggregate classification (germline): Uncertain significance (1 of 4 stars; one submission).

Submission:

Labcorp Genetics (formerly Invitae), Labcorp
Classification: Uncertain significance. Last evaluated: 2025-02-27. Review status: criteria provided, single submitter. Criteria: Invitae Variant Classification Sherloc (09022015). Collection method: clinical testing. Allele origin: germline.
Comment: This sequence change replaces proline, which is neutral and non-polar, with alanine, which is neutral and non-polar, at codon 124 of the SYNPO protein (p.Pro124Ala). This variant is not present in population databases (gnomAD no frequency). This variant has not been reported in the literature in individuals affected with SYNPO-related conditions. An algorithm developed to predict the effect of missense changes on protein structure and function (PolyPhen-2) suggests that this variant is likely to be tolerated. In summary, the available evidence is currently insufficient to determine the role of this variant in disease. Therefore, it has been classified as a Variant of Uncertain Significance.

NM_007286.6(SYNPO):c.370C>G (p.Pro124Ala)

Gene: SYNPO (synaptopodin; plus strand). Cytogenetic location: 5q33.1.
Variant type: single nucleotide variant.
Coding change: c.370C>G on transcript NM_007286.6 (MANE Select); coding-DNA position 370, C replaced by G.
Protein change: p.Pro124Ala; replaces proline 124 with alanine.
Molecular consequence: missense variant.
Genome position (GRCh38, 1-based): chr5:150,648,645, C>G. VCF-style: chr5-150648645-C-G. GRCh37 (hg19) VCF-style: chr5-150028207-C-G.
Other names: c.370C>G, p.Pro124Ala (NM_001109974.3); c.1102C>G, p.Pro368Ala (NM_001166208.2, NM_001166209.2); short protein forms P368A, P124A.
Identifiers: ClinVar variation 3700681 (VCV003700681.2).
Genomic context (GRCh38, chr5:150,648,645, plus strand): 5'-GTTGTCCCACAGAGCCTGCCACTTTCTAGCATCCAACAGAATTCCTCAGAGGCCCAACTC[C>G]CATCTAATGGCACAGGGCCTGCTTCCAAACCCAGCACCCTGTGTGCTGATGGGCAACCCC-3'
Protein context (NP_009217.3, residues 114-134): IQQNSSEAQL[Pro124Ala]SNGTGPASKP